The following is an entry in ClinVar:

NM_018417.6(ADCY10):c.3711G>C (p.Met1237Ile)

Gene: ADCY10 (adenylate cyclase 10; minus strand). Cytogenetic location: 1q24.2.
Variant type: single nucleotide variant.
Coding change: c.3711G>C on transcript NM_018417.6 (MANE Select); coding-DNA position 3711, G replaced by C.
Protein change: p.Met1237Ile; replaces methionine 1237 with isoleucine.
Molecular consequence: missense variant.
Genome position (GRCh38, 1-based): chr1:167,829,306, C>G on the plus strand (G>C on the coding strand, the complement: ADCY10 is on the minus strand). VCF-style: chr1-167829306-C-G. GRCh37 (hg19) VCF-style: chr1-167798544-C-G.
Other names: c.3252G>C, p.Met1084Ile (NM_001167749.3); c.3435G>C, p.Met1145Ile (NM_001297772.2); short protein forms M1145I, M1237I, M1084I.
Identifiers: ClinVar variation 4749767 (VCV004749767.1).

ClinVar aggregate classification (germline): Uncertain significance (1 of 4 stars; one submission).

Submission:

Labcorp Genetics (formerly Invitae), Labcorp
Classification: Uncertain significance. Last evaluated: 2025-03-05. Review status: criteria provided, single submitter. Criteria: Invitae Variant Classification Sherloc (09022015). Collection method: clinical testing. Allele origin: germline.
Comment: This sequence change replaces methionine, which is neutral and non-polar, with isoleucine, which is neutral and non-polar, at codon 1237 of the ADCY10 protein (p.Met1237Ile). This variant is present in population databases (rs375920610, gnomAD 0.03%). This variant has not been reported in the literature in individuals affected with ADCY10-related conditions. An algorithm developed to predict the effect of missense changes on protein structure and function (PolyPhen-2) suggests that this variant is likely to be disruptive. In summary, the available evidence is currently insufficient to determine the role of this variant in disease. Therefore, it has been classified as a Variant of Uncertain Significance.